The following is an entry in ClinVar:

NM_001375567.1(FOCAD):c.3478G>A (p.Val1160Ile)

Gene: FOCAD (focadhesin; plus strand). Cytogenetic location: 9p21.3.
Variant type: single nucleotide variant.
Coding change: c.3478G>A on transcript NM_001375567.1 (MANE Select); coding-DNA position 3478, G replaced by A.
Protein change: p.Val1160Ile; replaces valine 1160 with isoleucine.
Molecular consequence: missense variant.
Genome position (GRCh38, 1-based): chr9:20,944,697, G>A. VCF-style: chr9-20944697-G-A. GRCh37 (hg19) VCF-style: chr9-20944696-G-A.
Other names: c.3478G>A (NM_017794.4); c.3373G>A, p.Val1125Ile (NM_001375568.1, NM_001375570.1); c.3478G>A, p.Val1160Ile (NM_017794.5); short protein forms V1160I, V1125I.
Identifiers: ClinVar variation 2786893 (VCV002786893.13), dbSNP rs143827982, ClinGen allele CA5007567.

ClinVar aggregate classification (germline): Benign/Likely benign. Review status: criteria provided, multiple submitters, no conflicts (2 of 4 stars). 3 submissions from 3 submitters: Benign (1); Likely benign (1). 1 of the submissions does not count toward it. Last evaluated 2026-01-26.

Conditions:
FOCAD-related disorder. Also called: FOCAD-related condition.

Allele frequency attached by ClinVar (database versions not stated): gnomAD exomes 0.00039; ExAC 0.00123; 1000 Genomes Project 30x 0.00297; 1000 Genomes Project 0.00300; ESP Exome Variant Server 0.00438.
gnomAD v4.1: 1,157 of 1,614,094 alleles (0.072%); highest among the groups gnomAD compares: African/African-American, 1.3%; 5 homozygotes.

Submissions (3):

Labcorp Genetics (formerly Invitae), Labcorp
Classification: Benign. Last evaluated: 2026-01-26. Review status: criteria provided, single submitter. Criteria: Invitae Variant Classification Sherloc (09022015). Collection method: clinical testing. Allele origin: germline.

CeGaT Center for Human Genetics Tuebingen
Classification: Likely benign. Last evaluated: 2025-08-01. Review status: criteria provided, single submitter. Criteria: CeGaT Center For Human Genetics Tuebingen Variant Classification Criteria Version 2. Collection method: clinical testing. Allele origin: germline. Affected: yes. Observed: 1 variant allele.
Comment: FOCAD: BP4, BS1

PreventionGenetics, part of Exact Sciences
Classification: Benign for FOCAD-related condition. Last evaluated: 2020-02-24. Review status: no assertion criteria provided. Collection method: clinical testing. Allele origin: germline. Not counted in ClinVar's aggregate classification.
Comment: This variant is classified as benign based on ACMG/AMP sequence variant interpretation guidelines (Richards et al. 2015 PMID: 25741868, with internal and published modifications).